The following is an entry in ClinVar:

ClinVar aggregate classification (germline): Benign/Likely benign. Review status: criteria provided, multiple submitters, no conflicts (2 of 4 stars). 6 submissions from 6 submitters: Benign (2); Likely benign (3). 1 of the submissions does not count toward it. Last evaluated 2025-11-04.

Conditions:
CTDP1-related disorder. Also called: CTDP1-related condition.

Allele frequency attached by ClinVar (database versions not stated): gnomAD exomes 0.00017 and 0.00031; ExAC 0.00023; gnomAD 0.00023 and 0.00027; TOPMed 0.00025; ESP Exome Variant Server 0.00038; 1000 Genomes Project 30x 0.00047; 1000 Genomes Project 0.00060.

Submissions (6):

Women's Health and Genetics/Laboratory Corporation of America, LabCorp
Classification: Likely benign. Last evaluated: 2025-11-04. Review status: criteria provided, single submitter. Criteria: LabCorp Variant Classification Summary - May 2015. Collection method: clinical testing. Allele origin: germline.

Blueprint Genetics
Classification: Likely benign. Last evaluated: 2024-11-06. Review status: criteria provided, single submitter. Criteria: ACMG Guidelines, 2015. Collection method: clinical testing. Allele origin: germline.

CeGaT Center for Human Genetics Tuebingen
Classification: Likely benign. Last evaluated: 2023-12-01. Review status: criteria provided, single submitter. Criteria: CeGaT Center For Human Genetics Tuebingen Variant Classification Criteria Version 2. Collection method: clinical testing. Allele origin: germline. Affected: yes. Observed: 1 variant allele.
Comment: CTDP1: BP4, BP7

Labcorp Genetics (formerly Invitae), Labcorp
Classification: Benign. Last evaluated: 2019-12-31. Review status: criteria provided, single submitter. Criteria: Invitae Variant Classification Sherloc (09022015). Collection method: clinical testing. Allele origin: germline.

Breakthrough Genomics
Classification: Benign. Review status: criteria provided, single submitter. Criteria: ACMG Guidelines, 2015. Collection method: not provided. Allele origin: germline. Inheritance: Autosomal recessive inheritance. Affected: yes.

PreventionGenetics, part of Exact Sciences
Classification: Likely benign for CTDP1-related condition. Last evaluated: 2019-06-06. Review status: no assertion criteria provided. Collection method: clinical testing. Allele origin: germline. Not counted in ClinVar's aggregate classification.
Comment: This variant is classified as likely benign based on ACMG/AMP sequence variant interpretation guidelines (Richards et al. 2015 PMID: 25741868, with internal and published modifications).

NM_004715.5(CTDP1):c.1626C>T (p.Cys542=)

Gene: CTDP1 (CTD phosphatase 1; plus strand). Cytogenetic location: 18q23.
Variant type: single nucleotide variant.
Coding change: c.1626C>T on transcript NM_004715.5 (MANE Select); coding-DNA position 1626, C replaced by T.
Protein change: p.Cys542=; no amino-acid change (cysteine 542 retained).
Molecular consequence: synonymous variant.
Genome position (GRCh38, 1-based): chr18:79,715,086, C>T. VCF-style: chr18-79715086-C-T. GRCh37 (hg19) VCF-style: chr18-77475086-C-T.
Other names: c.1269C>T, p.Cys423= (NM_001202504.1); c.1626C>T, p.Cys542= (NM_001318511.2, NM_048368.4).
Identifiers: ClinVar variation 799452 (VCV000799452.29), dbSNP rs141075287, ClinGen allele CA9010352.
Genomic context (GRCh38, chr18:79,715,086, plus strand): 5'-TGCCCCGGACAAGGAGCCTGAGCTGGGTGGGCAGGAGGAGGGCGAGCGGGATGGCCTCTG[C>T]GGCCTGGGCAACGGCTGTGCCGACAGGAAGGAGGCGGAGACCGAGTCACAGAACAGCGAG-3'
Protein context (NP_004706.3, residues 532-552): GQEEGERDGL[Cys542=]GLGNGCADRK